The following is an entry in ClinVar:

ClinVar aggregate classification (germline): Uncertain significance. Review status: criteria provided, multiple submitters, no conflicts (2 of 4 stars). 2 submissions from 2 submitters: Uncertain significance (2). Last evaluated 2025-06-18.

Allele frequency attached by ClinVar (database versions not stated): gnomAD exomes 0.00004 and 0.00006; gnomAD 0.00005 and 0.00006; TOPMed 0.00005; ExAC 0.00006; ESP Exome Variant Server 0.00008.
gnomAD v4.1: 92 of 1,613,644 alleles (0.0057%); highest among the groups gnomAD compares: East Asian, 0.038%; no homozygotes.

Submissions (2):

Labcorp Genetics (formerly Invitae), Labcorp
Classification: Uncertain significance. Last evaluated: 2025-06-18. Review status: criteria provided, single submitter. Criteria: Invitae Variant Classification Sherloc (09022015). Collection method: clinical testing. Allele origin: germline.
Comment: This sequence change replaces valine, which is neutral and non-polar, with methionine, which is neutral and non-polar, at codon 70 of the CEACAM16 protein (p.Val70Met). This variant is present in population databases (rs201182389, gnomAD 0.03%). This missense change has been observed in individual(s) with deafness (PMID: 35114279). ClinVar contains an entry for this variant (Variation ID: 422301). An algorithm developed to predict the effect of missense changes on protein structure and function (PolyPhen-2) suggests that this variant is likely to be disruptive. In summary, the available evidence is currently insufficient to determine the role of this variant in disease. Therefore, it has been classified as a Variant of Uncertain Significance.

GeneDx
Classification: Uncertain significance. Last evaluated: 2024-09-26. Review status: criteria provided, single submitter. Criteria: GeneDx Variant Classification Process June 2021. Collection method: clinical testing. Allele origin: germline. Affected: yes.
Comment: In silico analysis indicates that this missense variant does not alter protein structure/function; This variant is associated with the following publications: (PMID: 35114279)

Literature cited by the submitters: PubMed 35114279 (cited by Labcorp Genetics (formerly Invitae), Labcorp).

NM_001039213.4(CEACAM16):c.208G>A (p.Val70Met)

Genes: CEACAM16 (CEA cell adhesion molecule 16, tectorial membrane component; plus strand), CEACAM16-AS1 (CEACAM16, CEACAM19 and PVR antisense RNA 1; minus strand). Cytogenetic location: 19q13.32.
Variant type: single nucleotide variant.
Coding change: c.208G>A on transcript NM_001039213.4 (MANE Select); coding-DNA position 208, G replaced by A.
Protein change: p.Val70Met; replaces valine 70 with methionine.
Molecular consequence: missense variant.
Genome position (GRCh38, 1-based): chr19:44,703,519, G>A. VCF-style: chr19-44703519-G-A. GRCh37 (hg19) VCF-style: chr19-45206789-G-A.
Other names: short protein forms V70M.
Identifiers: ClinVar variation 422301 (VCV000422301.11), dbSNP rs201182389, ClinGen allele CA9502980.